The following is an entry in ClinVar:

NM_020702.5(MYORG):c.1967T>C (p.Ile656Thr)

Gene: MYORG (myogenesis regulating glycosidase; minus strand). Cytogenetic location: 9p13.3.
Variant type: single nucleotide variant.
Coding change: c.1967T>C on transcript NM_020702.5 (MANE Select); coding-DNA position 1967, T replaced by C.
Protein change: p.Ile656Thr; replaces isoleucine 656 with threonine.
Molecular consequence: missense variant.
Genome position (GRCh38, 1-based): chr9:34,370,977, A>G on the plus strand (T>C on the coding strand, the complement: MYORG is on the minus strand). VCF-style: chr9-34370977-A-G. GRCh37 (hg19) VCF-style: chr9-34370975-A-G.
Other names: short protein forms I656T.
Identifiers: ClinVar variation 692177 (VCV000692177.10), dbSNP rs370944350, ClinGen allele CA5032795.
Genomic context (GRCh38, chr9:34,370,977, plus strand): 5'-TAGACGTCGCGCTCCTGCTTGCCTGGCTCCAGCACCGGGGCCACAAGCAGCGTGTCCCCA[A>G]TAAGGAACTGCGAGTCGATACGGTGAGCTGTCTCGTCGCCGGGCGCAATCCACCAAAGGG-3'
Protein context (NP_065753.2, residues 646-666): TAHRIDSQFL[Ile656Thr]GDTLLVAPVL

ClinVar aggregate classification (germline): Conflicting classifications of pathogenicity. Review status: criteria provided, conflicting classifications (1 of 4 stars). 3 submissions from 3 submitters: Pathogenic (1); Uncertain significance (2). Last evaluated 2025-10-01.

Conditions:
Basal ganglia calcification, idiopathic, 7, autosomal recessive. Also called: PRIMARY FAMILIAL BRAIN CALCIFICATION 7, AUTOSOMAL RECESSIVE. Identifiers: MedGen C5193025, MONDO:0032673, OMIM 618317.
Inborn genetic diseases. Identifiers: MedGen C0950123, MeSH D030342.

Allele frequency attached by ClinVar (database versions not stated): gnomAD 0.00003; TOPMed 0.00045; ESP Exome Variant Server 0.00008.

Submissions (3):

Labcorp Genetics (formerly Invitae), Labcorp
Classification: Pathogenic. Last evaluated: 2025-10-01. Review status: criteria provided, single submitter. Criteria: Invitae Variant Classification Sherloc (09022015). Collection method: clinical testing. Allele origin: germline.
Comment: This sequence change replaces isoleucine, which is neutral and non-polar, with threonine, which is neutral and polar, at codon 656 of the KIAA1161 protein (p.Ile656Thr). This variant is present in population databases (rs370944350, gnomAD 0.01%). This missense change has been observed in individuals with primary basal ganglia calcification (PMID: 30649222, 31009047, 31951047, 32211515). It has also been observed to segregate with disease in related individuals. ClinVar contains an entry for this variant (Variation ID: 692177). Invitae Evidence Modeling of protein sequence and biophysical properties (such as structural, functional, and spatial information, amino acid conservation, physicochemical variation, residue mobility, and thermodynamic stability) indicates that this missense variant is expected to disrupt KIAA1161 protein function with a positive predictive value of 80%. For these reasons, this variant has been classified as Pathogenic.

Ambry Genetics
Classification: Uncertain significance for Inborn genetic diseases. Last evaluated: 2019-12-12. Review status: criteria provided, single submitter. Criteria: Ambry exome assertion method (8-5-2015). Collection method: clinical testing. Allele origin: germline. Affected: yes. Observed: 1 variant allele.

SIB Swiss Institute of Bioinformatics
Classification: Uncertain significance for Basal ganglia calcification, idiopathic, 7, autosomal recessive. Last evaluated: 2019-06-13. Review status: criteria provided, single submitter. Criteria: ACMG Guidelines, 2015. Collection method: curation. Allele origin: unknown.
Comment: This variant is interpreted as a variant of Uncertain significance for Basal ganglia calcification, idiopathic, 7, autosomal recessive. The following ACMG Tag(s) were applied: PM2, PP3.

Literature cited by the submitters: PubMed 30649222 (cited by Labcorp Genetics (formerly Invitae), Labcorp); PubMed 31009047 (cited by 3 submitters); PubMed 31951047 (cited by Labcorp Genetics (formerly Invitae), Labcorp); PubMed 32211515 (cited by Labcorp Genetics (formerly Invitae), Labcorp).